The following is an entry in ClinVar:

NM_000038.6(APC):c.5696A>G (p.Glu1899Gly)

Gene: APC (APC regulator of Wnt signaling pathway; plus strand). Cytogenetic location: 5q22.2.
Variant type: single nucleotide variant.
Coding change: c.5696A>G on transcript NM_000038.6 (MANE Select); coding-DNA position 5696, A replaced by G.
Protein change: p.Glu1899Gly; replaces glutamic acid 1899 with glycine.
Molecular consequence: missense variant. On other transcripts: non-coding transcript variant (2).
Genome position (GRCh38, 1-based): chr5:112,841,290, A>G. VCF-style: chr5-112841290-A-G. GRCh37 (hg19) VCF-style: chr5-112176987-A-G.
Other names: c.5696A>G, p.Glu1899Gly (NM_001127510.3, NM_001354895.2, NM_001407450.1); c.5642A>G, p.Glu1881Gly (NM_001127511.3); c.5666A>G, p.Glu1889Gly (NM_001407452.1); c.5519A>G, p.Glu1840Gly (NM_001407453.1, NM_001354901.2); c.5447A>G, p.Glu1816Gly (NM_001407454.1, NM_001407455.1, NM_001407456.1 and 1 more transcripts); c.5393A>G, p.Glu1798Gly (NM_001407458.1, NM_001407459.1, NM_001407460.1 and 1 more transcripts); c.5309A>G, p.Glu1770Gly (NM_001407467.1, NM_001407469.1); c.4847A>G, p.Glu1616Gly (NM_001407470.1, NM_001354906.2); and 11 more; short protein forms E1773G, E1798G, E1858G, E1892G, E1917G, E1515G, E1808G, E1816G.
Identifiers: ClinVar variation 5025018 (VCV005025018.1).

ClinVar aggregate classification (germline): Uncertain significance (1 of 4 stars; one submission).

Conditions:
Hereditary cancer-predisposing syndrome. Also called: Neoplastic Syndromes, Hereditary; Tumor predisposition; Hereditary neoplastic syndrome; Hereditary Cancer Syndrome. Identifiers: Orphanet 140162, MedGen C0027672, MeSH D009386, MONDO:0015356.

Submission:

Ambry Genetics
Classification: Uncertain significance for Hereditary cancer-predisposing syndrome. Last evaluated: 2026-07-06. Review status: criteria provided, single submitter. Criteria: Ambry Variant Classification Scheme 2023. Collection method: clinical testing. Allele origin: germline.
Comment: The p.E1899G variant (also known as c.5696A>G), located in coding exon 15 of the APC gene, results from an A to G substitution at nucleotide position 5696. The glutamic acid at codon 1899 is replaced by glycine, an amino acid with similar properties. This amino acid position is conserved. In addition, in silico predictors for this gene do not accurately predict pathogenicity. Based on the available evidence, the clinical significance of this variant remains unclear.